The following is an entry in ClinVar:

ClinVar aggregate classification (germline): Likely pathogenic (1 of 4 stars; one submission).

Conditions:
GLDN-related disorder. Also called: GLDN-related condition.

Submission:

PreventionGenetics, part of Exact Sciences
Classification: Likely pathogenic for GLDN-related condition. Last evaluated: 2023-01-13. Review status: criteria provided, single submitter. Criteria: ACMG Guidelines, 2015. Collection method: clinical testing. Allele origin: germline.
Comment: The GLDN c.689-2A>G variant is predicted to disrupt the AG splice acceptor site and interfere with normal splicing. To our knowledge, this variant has not been reported in the literature. This variant is reported in 0.032% of alleles in individuals of European (Finnish) descent in gnomAD. Variants that disrupt the consensus splice acceptor site in GLDN are expected to be pathogenic. This variant is interpreted as likely pathogenic.

NM_181789.4(GLDN):c.689-2A>G

Gene: GLDN (gliomedin; plus strand). Cytogenetic location: 15q21.2.
Variant type: single nucleotide variant.
Coding change: c.689-2A>G on transcript NM_181789.4 (MANE Select); the canonical splice acceptor site of the intron before coding-DNA position 689, A replaced by G.
Molecular consequence: splice acceptor variant.
Genome position (GRCh38, 1-based): chr15:51,397,468, A>G. VCF-style: chr15-51397468-A-G. GRCh37 (hg19) VCF-style: chr15-51689665-A-G.
Other names: c.317-2A>G (NM_001330297.2).
Identifiers: ClinVar variation 2630091 (VCV002630091.1), dbSNP rs149543159, ClinGen allele CA7560503.